The following is an entry in ClinVar:

ClinVar aggregate classification (germline): Uncertain significance (1 of 4 stars; one submission).

Conditions:
Joubert syndrome and related disorders. Identifiers: Orphanet 140874, MedGen C5679612, MONDO:0015369.

Submission:

Institute of Genetic Medicine, Newcastle University
Classification: Uncertain significance for Joubert syndrome and related disorders. Last evaluated: 2026-04-11. Review status: criteria provided, single submitter. Criteria: ACMG Guidelines, 2015. Collection method: research. Allele origin: germline. Inheritance: Autosomal recessive inheritance. Affected: yes. Observed: 1 variant allele.
Comment: PM3_Supporting (in trans with likely pathogenic c.656G>A); PM2_Supporting (gnomAD v4.1.0 popmax 0.0078%). Early-domain missense without variant-specific functional or segregation evidence.

NM_024715.4(TXNDC15):c.239C>T (p.Ala80Val)

Gene: TXNDC15 (thioredoxin domain containing 15; plus strand). Cytogenetic location: 5q31.1.
Variant type: single nucleotide variant.
Coding change: c.239C>T on transcript NM_024715.4 (MANE Select); coding-DNA position 239, C replaced by T.
Protein change: p.Ala80Val; replaces alanine 80 with valine.
Molecular consequence: missense variant.
Genome position (GRCh38, 1-based): chr5:134,887,830, C>T. VCF-style: chr5-134887830-C-T. GRCh37 (hg19) VCF-style: chr5-134223520-C-T.
Other names: c.35C>T, p.Ala12Val (NM_001350735.2); short protein forms A12V, A80V.
Identifiers: ClinVar variation 4849878 (VCV004849878.1).